The following is an entry in ClinVar:

NM_004656.4(BAP1):c.1729+3G>A

Gene: BAP1 (BRCA1 associated deubiquitinase 1; minus strand). Cytogenetic location: 3p21.1.
Variant type: single nucleotide variant.
Coding change: c.1729+3G>A on transcript NM_004656.4 (MANE Select); 3 bases into the intron after coding-DNA position 1729, G replaced by A.
Molecular consequence: intron variant.
Genome position (GRCh38, 1-based): chr3:52,403,413, C>T on the plus strand (G>A on the coding strand, the complement: BAP1 is on the minus strand). VCF-style: chr3-52403413-C-T. GRCh37 (hg19) VCF-style: chr3-52437429-C-T.
Identifiers: ClinVar variation 1367459 (VCV001367459.9), dbSNP rs2153226566, ClinGen allele CA2573137321.

ClinVar aggregate classification (germline): Conflicting classifications of pathogenicity. Review status: criteria provided, conflicting classifications (1 of 4 stars). 2 submissions from 2 submitters: Uncertain significance (1); Likely benign (1). Last evaluated 2025-04-21.

Conditions:
Hereditary cancer-predisposing syndrome. Also called: Neoplastic Syndromes, Hereditary; Tumor predisposition; Hereditary neoplastic syndrome; Hereditary Cancer Syndrome. Identifiers: Orphanet 140162, MedGen C0027672, MeSH D009386, MONDO:0015356.
BAP1-related tumor predisposition syndrome (TPDS1). Also called: TUMOR PREDISPOSITION SYNDROME 1; Tumor susceptibility linked to germline BAP1 mutations; BAP1 tumor predisposition syndrome; COMMON Syndrome. Identifiers: Orphanet 289539, MedGen C3280492, MONDO:0013692, OMIM 614327.

Submissions (2):

Labcorp Genetics (formerly Invitae), Labcorp
Classification: Likely benign for BAP1-related tumor predisposition syndrome. Last evaluated: 2025-04-21. Review status: criteria provided, single submitter. Criteria: Invitae Variant Classification Sherloc (09022015). Collection method: clinical testing. Allele origin: germline.

Ambry Genetics
Classification: Uncertain significance for Hereditary cancer-predisposing syndrome. Last evaluated: 2025-04-11. Review status: criteria provided, single submitter. Criteria: Ambry Variant Classification Scheme 2023. Collection method: clinical testing. Allele origin: germline.
Comment: The c.1729+3G>A intronic variant results from a G to A substitution 3 nucleotides after coding exon 13 in the BAP1 gene. This nucleotide position is not well conserved in available vertebrate species. In silico splice site analysis predicts that this alteration will not have any significant effect on splicing. Since supporting evidence is limited at this time, the clinical significance of this alteration remains unclear.